The following is an entry in ClinVar:

ClinVar aggregate classification (germline): Pathogenic (1 of 4 stars; one submission).

Submission:

ISCA Site 6
Classification: Pathogenic. Last evaluated: 2011-08-12. Review status: criteria provided, single submitter. Criteria: Kaminsky et al. (Genet Med. 2011). Collection method: clinical testing. Allele origin: unknown. Affected: yes. Observed: 2 variant alleles.
Comment: Copy number variation identified through the course of routine clinical cytogenomic testing in postnatal populations. Clinical assertions have been curated as described in Kaminsky et al. 2011.

GRCh38/hg38 15q11.1-13.1(chr15:19879749-28918517)x3

Genes: APBA2 (amyloid beta precursor protein binding family A member 2; plus strand), ATP10A (ATPase phospholipid transporting 10A (putative); minus strand), ATP10A-DT (ATP10A divergent transcript; plus strand), CYFIP1 (cytoplasmic FMR1 interacting protein 1; minus strand), FAM30B (family with sequence similarity 30 member B; plus strand) and 200 more. Cytogenetic location: 15q11.1-13.1.
Variant type: copy number gain.
Change: copy number 3 (three copies instead of two) of chr15:19,879,749-28,918,517 (9.04 Mb, GRCh38 coordinates, 1-based), cytogenetic band 15q11.1-13.1.
Identifiers: ClinVar variation 58531 (VCV000058531.2).